The following is an entry in ClinVar:

ClinVar aggregate classification (germline): Likely benign. Review status: reviewed by expert panel (3 of 4 stars). 9 submissions from 9 submitters: Likely benign (1). 8 of the submissions do not count toward it. Last evaluated 2017-06-29.

Conditions:
Hereditary breast ovarian cancer syndrome. Also called: Breast and ovarian cancer; Hereditary breast and ovarian cancer; Hereditary breast and ovarian cancer syndrome; Hereditary breast and/or ovarian cancer syndrome; BRCA1- and BRCA2-Associated Hereditary Breast and Ovarian Cancer; Hereditary breast and ovarian cancer syndrome (HBOC). Identifiers: Orphanet 145, MedGen C0677776, MeSH D061325, MONDO:0003582. Disease mechanism: loss of function.
Breast-ovarian cancer, familial, susceptibility to, 1 (BROVCA1). Also called: BRCA1 Hereditary Breast and Ovarian Cancer; OVARIAN CANCER, SUSCEPTIBILITY TO. Identifiers: Orphanet 145, MedGen C2676676, MONDO:0011450, OMIM 604370. Disease mechanism: loss of function.
Hereditary cancer-predisposing syndrome. Also called: Tumor predisposition; Hereditary Cancer Syndrome; Neoplastic Syndromes, Hereditary; Hereditary neoplastic syndrome. Identifiers: Orphanet 140162, MedGen C0027672, MeSH D009386, MONDO:0015356.

Allele frequency attached by ClinVar (database versions not stated): gnomAD below 0.00001 and 0.00001; gnomAD exomes 0.00001.
gnomAD v4.1: 4 of 1,614,018 alleles (0.00025%); highest among the groups gnomAD compares: South Asian, 0.0011%; no homozygotes.

Submissions (9):

Evidence-based Network for the Interpretation of Germline Mutant Alleles (ENIGMA)
Classification: Likely benign for Breast-ovarian cancer, familial, susceptibility to, 1. Last evaluated: 2017-06-29. Review status: reviewed by expert panel. Criteria: ENIGMA BRCA1/2 Classification Criteria (2017-06-29). Collection method: curation. Allele origin: germline.
Comment: Synonymous substitution variant, with low bioinformatic likelihood to result in a splicing aberration (Splicing prior probability 0.02).

Labcorp Genetics (formerly Invitae), Labcorp
Classification: Likely benign for Hereditary breast ovarian cancer syndrome. Last evaluated: 2025-06-18. Review status: criteria provided, single submitter. Criteria: Invitae Variant Classification Sherloc (09022015). Collection method: clinical testing. Allele origin: germline. Not counted in ClinVar's aggregate classification.

Women's Health and Genetics/Laboratory Corporation of America, LabCorp
Classification: Likely benign. Last evaluated: 2025-03-22. Review status: criteria provided, single submitter. Criteria: LabCorp Variant Classification Summary - May 2015. Collection method: clinical testing. Allele origin: germline. Not counted in ClinVar's aggregate classification.

All of Us Research Program, National Institutes of Health
Classification: Likely benign for Breast-ovarian cancer, familial, susceptibility to, 1. Last evaluated: 2022-11-28. Review status: criteria provided, single submitter. Criteria: ACMG Guidelines, 2015. Collection method: clinical testing. Allele origin: germline. Inheritance: Autosomal dominant inheritance. Observed: 1 variant allele, 1 heterozygote. Not counted in ClinVar's aggregate classification.
Comment: This study involves interpretation of variants in research participants for the purpose of population health screening. Participant phenotype was not available at the time of variant classification. Additional details can be found in publication PMID: 35346344, PMCID: PMC8962531

Quest Diagnostics Nichols Institute San Juan Capistrano
Classification: Likely benign. Last evaluated: 2021-05-13. Review status: criteria provided, single submitter. Criteria: Quest Diagnostics criteria. Collection method: clinical testing. Allele origin: unknown. Not counted in ClinVar's aggregate classification.

Color Diagnostics, LLC DBA Color Health
Classification: Likely benign for Hereditary cancer-predisposing syndrome. Last evaluated: 2017-10-05. Review status: criteria provided, single submitter. Criteria: ACMG Guidelines, 2015. Collection method: clinical testing. Allele origin: germline. Not counted in ClinVar's aggregate classification.

GeneDx
Classification: Likely benign. Last evaluated: 2016-08-29. Review status: criteria provided, single submitter. Criteria: GeneDx Variant Classification (06012015). Collection method: clinical testing. Allele origin: germline. Affected: yes. Not counted in ClinVar's aggregate classification.
Comment: This variant is considered likely benign or benign based on one or more of the following criteria: it is a conservative change, it occurs at a poorly conserved position in the protein, it is predicted to be benign by multiple in silico algorithms, and/or has population frequency not consistent with disease.

Ambry Genetics
Classification: Likely benign for Hereditary cancer-predisposing syndrome. Last evaluated: 2015-05-10. Review status: criteria provided, single submitter. Criteria: Ambry Variant Classification Scheme 2023. Collection method: clinical testing. Allele origin: germline. Not counted in ClinVar's aggregate classification.

Counsyl
Classification: Likely benign for Breast-ovarian cancer, familial, susceptibility to, 1. Last evaluated: 2016-10-27. Review status: no assertion criteria provided. Collection method: clinical testing. Allele origin: unknown. Not counted in ClinVar's aggregate classification.

Literature cited by the submitters: PubMed 16267036 (cited by Quest Diagnostics Nichols Institute San Juan Capistrano and Counsyl).

NM_007294.4(BRCA1):c.2811G>A (p.Lys937=)

Gene: BRCA1 (BRCA1 DNA repair associated; minus strand). Cytogenetic location: 17q21.31.
Variant type: single nucleotide variant.
Coding change: c.2811G>A on transcript NM_007294.4 (MANE Select); coding-DNA position 2811, G replaced by A.
Protein change: p.Lys937=; no amino-acid change (lysine 937 retained).
Molecular consequence: synonymous variant. On other transcripts: intron variant (137).
Genome position (GRCh38, 1-based): chr17:43,092,720, C>T on the plus strand (G>A on the coding strand, the complement: BRCA1 is on the minus strand). VCF-style: chr17-43092720-C-T. GRCh37 (hg19) VCF-style: chr17-41244737-C-T.
Other names: c.2598G>A, p.Lys866= (NM_001407571.1, NM_001407853.1, NM_001407894.1 and 9 more transcripts); c.2811G>A, p.Lys937= (NM_001407581.1, NM_001407582.1, NM_001407583.1 and 30 more transcripts); c.2808G>A, p.Lys936= (NM_001407587.1, NM_001407590.1, NM_001407591.1 and 22 more transcripts); c.2802G>A, p.Lys934= (NM_001407646.1, NM_001407647.1); c.2688G>A, p.Lys896= (NM_001407648.1, NM_001407664.1, NM_001407665.1 and 19 more transcripts); c.2685G>A, p.Lys895= (NM_001407649.1, NM_001407670.1, NM_001407671.1 and 11 more transcripts); c.2733G>A, p.Lys911= (NM_001407653.1, NM_001407654.1, NM_001407655.1 and 4 more transcripts); c.2730G>A, p.Lys910= (NM_001407659.1, NM_001407660.1, NM_001407661.1 and 1 more transcripts); and 41 more.
Identifiers: ClinVar variation 231630 (VCV000231630.26), dbSNP rs876659271, ClinGen allele CA10580596.